The following is an entry in ClinVar:

NM_198253.3(TERT):c.847A>C (p.Thr283Pro)

Gene: TERT (telomerase reverse transcriptase; minus strand). Cytogenetic location: 5p15.33.
Variant type: single nucleotide variant.
Coding change: c.847A>C on transcript NM_198253.3 (MANE Select); coding-DNA position 847, A replaced by C.
Protein change: p.Thr283Pro; replaces threonine 283 with proline.
Molecular consequence: missense variant. On other transcripts: non-coding transcript variant (2).
Genome position (GRCh38, 1-based): chr5:1,294,039, T>G on the plus strand (A>C on the coding strand, the complement: TERT is on the minus strand). VCF-style: chr5-1294039-T-G. GRCh37 (hg19) VCF-style: chr5-1294154-T-G.
Other names: c.847A>C, p.Thr283Pro (NM_001193376.3); short protein forms T283P.
Identifiers: ClinVar variation 847848 (VCV000847848.14), dbSNP rs1295657479, ClinGen allele CA359056505.
Genomic context (GRCh38, chr5:1,294,039, plus strand): 5'-GCTGGCGGCCCACGGATGGGTGGGAGTGGCGCGTGCCAGAGAGCGCACCCTCCAAAGAGG[T>G]GGCTTCTTCGGCGGGTCTGGCAGGTGACACCACACAGAAACCACGGTCACTCGGTCCACG-3'
Protein context (NP_937983.2, residues 273-293): VSPARPAEEA[Thr283Pro]SLEGALSGTR

ClinVar aggregate classification (germline): Uncertain significance. Review status: criteria provided, multiple submitters, no conflicts (2 of 4 stars). 4 submissions from 4 submitters: Uncertain significance (4). Last evaluated 2025-03-24.

Conditions:
Interstitial lung disease 2 (ILD2). Also called: Familial idiopathic pulmonary fibrosis; FIBROCYSTIC PULMONARY DYSPLASIA; FIBROSING ALVEOLITIS, CRYPTOGENIC. Identifiers: Orphanet 2032, Orphanet 79126, MedGen C5561926, MONDO:0800497, OMIM 178500, MONDO:0800029.
Melanoma, cutaneous malignant, susceptibility to, 9. Also called: Cutaneous malignant melanoma 9. Identifiers: Orphanet 618, MedGen C3554574, MONDO:0014056, OMIM 615134.
Acute myeloid leukemia (AML). Also called: Acute myeloid leukemia, adult; AML adult; Acute non-lymphocytic leukemia; Acute granulocytic leukemia; Leukemia, acute myeloid, somatic; Leukemia, acute myelogenous, somatic. Identifiers: Orphanet 519, MedGen C0023467, MeSH D015470, MONDO:0018874, OMIM 601626, HP:0004808. Disease mechanism: Constitutively activated FLT3.
Aplastic anemia. Identifiers: Orphanet 182040, Orphanet 88, MedGen C0002874, MONDO:0015909, OMIM 609135, HP:0001915.
Dyskeratosis congenita, autosomal dominant 2. Identifiers: MedGen C3151443, MONDO:0013521, OMIM 613989.
Dyskeratosis congenita, autosomal dominant 1 (DKCA1). Also called: Dyskeratosis congenita Scoggins type. Identifiers: Orphanet 1775, MedGen C4551974, MONDO:0007485, OMIM 127550. Inheritance: Variable.
Pulmonary fibrosis and/or bone marrow failure, Telomere-related, 1. Also called: PULMONARY FIBROSIS AND/OR BONE MARROW FAILURE SYNDROME, TELOMERE-RELATED, 1. Identifiers: Orphanet 88, MedGen C3553617, MONDO:0013878, OMIM 614742.
Idiopathic Pulmonary Fibrosis. Also called: Idiopathic fibrosing alveolitis, chronic form; idiopathic fibrosing alveolitis. Identifiers: Orphanet 2032, MedGen C1800706, MeSH D054990, MONDO:0800504.
Dyskeratosis congenita. Identifiers: Orphanet 1775, MedGen C0265965, MONDO:0015780.

Allele frequency attached by ClinVar (database versions not stated): gnomAD exomes below 0.00001 and 0.00001.
gnomAD v4.1: 3 of 1,599,534 alleles (0.00019%); highest among the groups gnomAD compares: Non-Finnish European, 0.00026%; no homozygotes.

Submissions (4):

Ambry Genetics
Classification: Uncertain significance for Dyskeratosis congenita. Last evaluated: 2025-03-24. Review status: criteria provided, single submitter. Criteria: Ambry Variant Classification Scheme 2023. Collection method: clinical testing. Allele origin: germline.
Comment: The p.T283P variant (also known as c.847A>C), located in coding exon 2 of the TERT gene, results from an A to C substitution at nucleotide position 847. The threonine at codon 283 is replaced by proline, an amino acid with highly similar properties. This amino acid position is conserved. In addition, this alteration is predicted to be tolerated by in silico analysis. Since supporting evidence is limited at this time, the clinical significance of this alteration remains unclear.

Blueprint Genetics
Classification: Uncertain significance. Last evaluated: 2024-10-14. Review status: criteria provided, single submitter. Criteria: ACMG Guidelines, 2015. Collection method: clinical testing. Allele origin: germline.

Labcorp Genetics (formerly Invitae), Labcorp
Classification: Uncertain significance for Dyskeratosis congenita, autosomal dominant 2; Idiopathic Pulmonary Fibrosis. Last evaluated: 2024-04-22. Review status: criteria provided, single submitter. Criteria: Invitae Variant Classification Sherloc (09022015). Collection method: clinical testing. Allele origin: germline.
Comment: This sequence change replaces threonine, which is neutral and polar, with proline, which is neutral and non-polar, at codon 283 of the TERT protein (p.Thr283Pro). The frequency data for this variant in the population databases is considered unreliable, as metrics indicate poor data quality at this position in the gnomAD database. This variant has not been reported in the literature in individuals affected with TERT-related conditions. ClinVar contains an entry for this variant (Variation ID: 847848). Advanced modeling of protein sequence and biophysical properties (such as structural, functional, and spatial information, amino acid conservation, physicochemical variation, residue mobility, and thermodynamic stability) performed at Invitae indicates that this missense variant is not expected to disrupt TERT protein function with a negative predictive value of 80%. In summary, the available evidence is currently insufficient to determine the role of this variant in disease. Therefore, it has been classified as a Variant of Uncertain Significance.

Fulgent Genetics
Classification: Uncertain significance for Dyskeratosis congenita, autosomal dominant 1; Interstitial lung disease 2; Acute myeloid leukemia; Aplastic anemia; Dyskeratosis congenita, autosomal dominant 2; Pulmonary fibrosis and/or bone marrow failure, Telomere-related, 1; Melanoma, cutaneous malignant, susceptibility to, 9. Last evaluated: 2022-05-13. Review status: criteria provided, single submitter. Criteria: ACMG Guidelines, 2015. Collection method: clinical testing. Allele origin: unknown.